The following is an entry in ClinVar:

ClinVar aggregate classification (germline): Uncertain significance (1 of 4 stars; one submission).

Conditions:
TP63-Related Spectrum Disorders.

Submission:

Labcorp Genetics (formerly Invitae), Labcorp
Classification: Uncertain significance. Last evaluated: 2022-02-03. Review status: criteria provided, single submitter. Criteria: Invitae Variant Classification Sherloc (09022015). Collection method: clinical testing. Allele origin: germline.
Comment: This sequence change replaces glutamine, which is neutral and polar, with glutamic acid, which is acidic and polar, at codon 123 of the TP63 protein (p.Gln123Glu). This variant is not present in population databases (gnomAD no frequency). This variant has not been reported in the literature in individuals affected with TP63-related conditions. Algorithms developed to predict the effect of missense changes on protein structure and function (SIFT, PolyPhen-2, Align-GVGD) all suggest that this variant is likely to be tolerated. In summary, the available evidence is currently insufficient to determine the role of this variant in disease. Therefore, it has been classified as a Variant of Uncertain Significance.

NM_003722.5(TP63):c.367C>G (p.Gln123Glu)

Gene: TP63 (tumor protein p63; plus strand). Cytogenetic location: 3q28.
Variant type: single nucleotide variant.
Coding change: c.367C>G on transcript NM_003722.5 (MANE Select); coding-DNA position 367, C replaced by G.
Protein change: p.Gln123Glu; replaces glutamine 123 with glutamic acid.
Molecular consequence: missense variant. On other transcripts: intron variant (2).
Genome position (GRCh38, 1-based): chr3:189,808,314, C>G. VCF-style: chr3-189808314-C-G. GRCh37 (hg19) VCF-style: chr3-189526103-C-G.
Other names: c.367C>G, p.Gln123Glu (NM_001114978.2, NM_001114979.2, NM_001329144.2 and 1 more transcripts); c.85C>G, p.Gln29Glu (NM_001114980.2, NM_001114981.2, NM_001114982.2 and 2 more transcripts); c.361C>G, p.Gln121Glu (NM_001329964.2); c.42+18472C>G (NM_001329146.2, NM_001329150.2); short protein forms Q121E, Q29E, Q123E.
Identifiers: ClinVar variation 2092315 (VCV002092315.3), dbSNP rs2108637240, ClinGen allele CA355750409.